The following is an entry in ClinVar:

NM_004588.5(SCN2B):c.477C>T (p.Ala159=)

Gene: SCN2B (sodium voltage-gated channel beta subunit 2; minus strand). Cytogenetic location: 11q23.3.
Variant type: single nucleotide variant.
Coding change: c.477C>T on transcript NM_004588.5 (MANE Select); coding-DNA position 477, C replaced by T.
Protein change: p.Ala159=; no amino-acid change (alanine 159 retained).
Molecular consequence: synonymous variant.
Genome position (GRCh38, 1-based): chr11:118,167,058, G>A on the plus strand (C>T on the coding strand, the complement: SCN2B is on the minus strand). VCF-style: chr11-118167058-G-A. GRCh37 (hg19) VCF-style: chr11-118037773-G-A.
Identifiers: ClinVar variation 510283 (VCV000510283.10), dbSNP rs777479532, ClinGen allele CA6300425.

ClinVar aggregate classification (germline): Likely benign. Review status: criteria provided, multiple submitters, no conflicts (2 of 4 stars). 3 submissions from 3 submitters: Likely benign (3). Last evaluated 2026-01-20.

Conditions:
Cardiovascular phenotype. Identifiers: MedGen CN230736.
Atrial fibrillation, familial, 14 (ATFB14). Identifiers: MedGen C3809312, MONDO:0014156, OMIM 615378.

Allele frequency attached by ClinVar (database versions not stated): ExAC 0.00004; gnomAD 0.00006.
gnomAD v4.1: 67 of 1,612,926 alleles (0.0042%); highest among the groups gnomAD compares: Admixed American, 0.012%; no homozygotes.

Submissions (3):

Labcorp Genetics (formerly Invitae), Labcorp
Classification: Likely benign for Atrial fibrillation, familial, 14. Last evaluated: 2026-01-20. Review status: criteria provided, single submitter. Criteria: Invitae Variant Classification Sherloc (09022015). Collection method: clinical testing. Allele origin: germline.

Ambry Genetics
Classification: Likely benign for Cardiovascular phenotype. Last evaluated: 2021-09-29. Review status: criteria provided, single submitter. Criteria: Ambry Variant Classification Scheme 2023. Collection method: clinical testing. Allele origin: germline.

GeneDx
Classification: Likely benign. Last evaluated: 2017-06-15. Review status: criteria provided, single submitter. Criteria: GeneDx Variant Classification (06012015). Collection method: clinical testing. Allele origin: germline. Affected: yes.
Comment: This variant is considered likely benign or benign based on one or more of the following criteria: it is a conservative change, it occurs at a poorly conserved position in the protein, it is predicted to be benign by multiple in silico algorithms, and/or has population frequency not consistent with disease.